The following is an entry in ClinVar:

NM_001457.4(FLNB):c.362A>T (p.Tyr121Phe)

Gene: FLNB (filamin B; plus strand). Cytogenetic location: 3p14.3.
Variant type: single nucleotide variant.
Coding change: c.362A>T on transcript NM_001457.4 (MANE Select); coding-DNA position 362, A replaced by T.
Protein change: p.Tyr121Phe; replaces tyrosine 121 with phenylalanine.
Molecular consequence: missense variant.
Genome position (GRCh38, 1-based): chr3:58,077,115, A>T. VCF-style: chr3-58077115-A-T. GRCh37 (hg19) VCF-style: chr3-58062842-A-T.
Other names: c.362A>T, p.Tyr121Phe (NM_001164317.2, NM_001164318.2, NM_001164319.2); short protein forms Y121F.
Identifiers: ClinVar variation 258107 (VCV000258107.59), dbSNP rs147846832, ClinGen allele CA2467517.

ClinVar aggregate classification (germline): Conflicting classifications of pathogenicity. Review status: criteria provided, conflicting classifications (1 of 4 stars). 8 submissions from 8 submitters: Uncertain significance (1); Benign (4); Likely benign (3). Last evaluated 2026-01-25.

Allele frequency attached by ClinVar (database versions not stated): gnomAD 0.00269 and 0.00253; TOPMed 0.00281; ESP Exome Variant Server 0.00354; gnomAD exomes 0.00060; ExAC 0.00077; 1000 Genomes Project 0.00200; 1000 Genomes Project 30x 0.00265.
gnomAD v4.1: 708 of 1,613,884 alleles (0.044%); highest among the groups gnomAD compares: African/African-American, 0.87%; 5 homozygotes.

Submissions (8):

Labcorp Genetics (formerly Invitae), Labcorp
Classification: Benign. Last evaluated: 2026-01-25. Review status: criteria provided, single submitter. Criteria: Invitae Variant Classification Sherloc (09022015). Collection method: clinical testing. Allele origin: germline.

ARUP Laboratories, Molecular Genetics and Genomics, ARUP Laboratories
Classification: Likely benign. Last evaluated: 2025-02-11. Review status: criteria provided, single submitter. Criteria: ARUP Molecular Germline Variant Investigation Process 2024. Collection method: clinical testing. Allele origin: germline.

Blueprint Genetics
Classification: Likely benign. Last evaluated: 2024-10-22. Review status: criteria provided, single submitter. Criteria: ACMG Guidelines, 2015. Collection method: clinical testing. Allele origin: germline.

CeGaT Center for Human Genetics Tuebingen
Classification: Uncertain significance. Last evaluated: 2022-02-01. Review status: criteria provided, single submitter. Criteria: CeGaT Center For Human Genetics Tuebingen Variant Classification Criteria Version 2. Collection method: clinical testing. Allele origin: germline. Affected: yes. Observed: 1 variant allele.

GeneDx
Classification: Benign. Last evaluated: 2019-02-04. Review status: criteria provided, single submitter. Criteria: GeneDx Variant Classification Process June 2021. Collection method: clinical testing. Allele origin: germline. Affected: yes.

Eurofins Ntd Llc (ga)
Classification: Benign. Last evaluated: 2016-10-11. Review status: criteria provided, single submitter. Criteria: EGL Classification Definitions 2015. Collection method: clinical testing. Allele origin: germline. Observed: 1 variant allele, 1 heterozygote.

Center for Pediatric Genomic Medicine, Children's Mercy Hospital and Clinics
Classification: Likely benign. Last evaluated: 2016-09-28. Review status: criteria provided, single submitter. Criteria: ACMG Guidelines, 2015. Collection method: clinical testing. Allele origin: germline.
ClinVar note: Converted during submission from Likely Benign to Likely benign.

PreventionGenetics, part of Exact Sciences
Classification: Benign. Review status: criteria provided, single submitter. Criteria: ACMG Guidelines, 2015. Collection method: clinical testing. Allele origin: germline.